The following is an entry in ClinVar:

ClinVar aggregate classification (germline): Uncertain significance. Review status: criteria provided, multiple submitters, no conflicts (2 of 4 stars). 3 submissions from 3 submitters: Uncertain significance (3). Last evaluated 2025-12-18.

Conditions:
MYH14-related disorder. Also called: MYH14-related condition.

gnomAD v4.1: 65 of 1,611,280 alleles (0.004%); highest among the groups gnomAD compares: Non-Finnish European, 0.0047%; no homozygotes.

Submissions (3):

PreventionGenetics, part of Exact Sciences
Classification: Uncertain significance for MYH14-related condition. Last evaluated: 2025-12-18. Review status: criteria provided, single submitter. Criteria: ACMG Guidelines, 2015. Collection method: clinical testing. Allele origin: germline.
Comment: The MYH14 c.4432C>T variant is predicted to result in the amino acid substitution p.Arg1478Trp. To our knowledge, this variant has not been reported in the literature. This variant is reported in 0.0066% of alleles in individuals of South Asian descent in gnomAD. At this time, the clinical significance of this variant is uncertain due to the absence of conclusive functional and genetic evidence.

Labcorp Genetics (formerly Invitae), Labcorp
Classification: Uncertain significance. Last evaluated: 2025-09-11. Review status: criteria provided, single submitter. Criteria: Invitae Variant Classification Sherloc (09022015). Collection method: clinical testing. Allele origin: germline.
Comment: This sequence change replaces arginine, which is basic and polar, with tryptophan, which is neutral and slightly polar, at codon 1437 of the MYH14 protein (p.Arg1437Trp). This variant is present in population databases (rs199551130, gnomAD 0.007%). This variant has not been reported in the literature in individuals affected with MYH14-related conditions. ClinVar contains an entry for this variant (Variation ID: 1203842). Invitae Evidence Modeling of protein sequence and biophysical properties (such as structural, functional, and spatial information, amino acid conservation, physicochemical variation, residue mobility, and thermodynamic stability) indicates that this missense variant is expected to disrupt MYH14 protein function with a positive predictive value of 80%. In summary, the available evidence is currently insufficient to determine the role of this variant in disease. Therefore, it has been classified as a Variant of Uncertain Significance.

GeneDx
Classification: Uncertain significance. Last evaluated: 2019-10-29. Review status: criteria provided, single submitter. Criteria: GeneDx Variant Classification Process June 2021. Collection method: clinical testing. Allele origin: germline. Affected: yes.
Comment: In silico analysis, which includes protein predictors and evolutionary conservation, supports a deleterious effect; Has not been previously published as pathogenic or benign to our knowledge

NM_001145809.2(MYH14):c.4432C>T (p.Arg1478Trp)

Gene: MYH14 (myosin heavy chain 14; plus strand). Cytogenetic location: 19q13.33.
Variant type: single nucleotide variant.
Coding change: c.4432C>T on transcript NM_001145809.2 (MANE Select); coding-DNA position 4432, C replaced by T.
Protein change: p.Arg1478Trp; replaces arginine 1478 with tryptophan.
Molecular consequence: missense variant.
Genome position (GRCh38, 1-based): chr19:50,281,735, C>T. VCF-style: chr19-50281735-C-T. GRCh37 (hg19) VCF-style: chr19-50784992-C-T.
Other names: c.4432C>T (NM_001145809.1); c.4333C>T, p.Arg1445Trp (NM_001077186.2); c.4309C>T, p.Arg1437Trp (NM_024729.4); short protein forms R1437W, R1445W, R1478W.
Identifiers: ClinVar variation 1203842 (VCV001203842.7), dbSNP rs199551130, ClinGen allele CA9593507.